The following is an entry in ClinVar:

NM_006767.4(LZTR1):c.200+5G>T

Gene: LZTR1 (leucine zipper like post translational regulator 1; plus strand). Cytogenetic location: 22q11.21.
Variant type: single nucleotide variant.
Coding change: c.200+5G>T on transcript NM_006767.4 (MANE Select); 5 bases into the intron after coding-DNA position 200, G replaced by T.
Molecular consequence: intron variant.
Genome position (GRCh38, 1-based): chr22:20,982,576, G>T. VCF-style: chr22-20982576-G-T. GRCh37 (hg19) VCF-style: chr22-21336865-G-T.
Identifiers: ClinVar variation 3896471 (VCV003896471.2).
Genomic context (GRCh38, chr22:20,982,576, plus strand): 5'-GAAACAGTGCATCGCTGGCGGCGCCTCCCGCCCTGCGACGAGTTCGTGGGTGCCCGGTAC[G>T]GTGGGCTTCATGGGGTCCTGAGGACAGGAAGGGCGATCTGCGAGGGTCCCAGGGCGGGTC-3'

ClinVar aggregate classification (germline): Uncertain significance (1 of 4 stars; one submission).

gnomAD v4.1: 1 of 1,610,750 alleles (0.000062%); highest among the groups gnomAD compares: Non-Finnish European, 0.000085%; no homozygotes.

Submission:

Women's Health and Genetics/Laboratory Corporation of America, LabCorp
Classification: Uncertain significance. Last evaluated: 2025-04-04. Review status: criteria provided, single submitter. Criteria: LabCorp Variant Classification Summary - May 2015. Collection method: clinical testing. Allele origin: germline.
Comment: Variant summary: LZTR1 c.200+5G>T alters a non-conserved nucleotide located close to a canonical splice site and therefore could affect mRNA splicing, leading to a significantly altered protein sequence. Several computational tools predict a significant impact on normal splicing: Two predict the variant abolishes the canonical 5' splicing donor site. Two predict the variant weakens the canonical 5' donor site. However, these predictions have yet to be confirmed by functional studies. The variant allele was found at a frequency of 4.2e-06 in 239922 control chromosomes. The available data on variant occurrences in the general population are insufficient to allow any conclusion about variant significance. To our knowledge, no occurrence of c.200+5G>T in individuals affected with Noonan Syndrome 2 and no experimental evidence demonstrating its impact on protein function have been reported. No submitters have cited clinical-significance assessments for this variant to ClinVar. Based on the evidence outlined above, the variant was classified as uncertain significance.